The following is an entry in ClinVar:

NM_016239.4(MYO15A):c.1196A>G (p.Tyr399Cys)

Gene: MYO15A (myosin XVA; plus strand). Cytogenetic location: 17p11.2.
Variant type: single nucleotide variant.
Coding change: c.1196A>G on transcript NM_016239.4 (MANE Select); coding-DNA position 1196, A replaced by G.
Protein change: p.Tyr399Cys; replaces tyrosine 399 with cysteine.
Molecular consequence: missense variant.
Genome position (GRCh38, 1-based): chr17:18,119,996, A>G. VCF-style: chr17-18119996-A-G. GRCh37 (hg19) VCF-style: chr17-18023310-A-G.
Other names: short protein forms Y399C.
Identifiers: ClinVar variation 287167 (VCV000287167.16), dbSNP rs368682932, ClinGen allele CA8423052.

ClinVar aggregate classification (germline): Conflicting classifications of pathogenicity. Review status: criteria provided, conflicting classifications (1 of 4 stars). 6 submissions from 6 submitters: Uncertain significance (4); Likely benign (1). 1 of the submissions does not count toward it. Last evaluated 2026-01-25.

Conditions:
Autosomal recessive nonsyndromic hearing loss 3. Also called: NEUROSENSORY NONSYNDROMIC RECESSIVE DEAFNESS 3. Identifiers: Orphanet 90636, MedGen C1838263, MONDO:0010860, OMIM 600316.
Monogenic hearing loss.

Allele frequency attached by ClinVar (database versions not stated): gnomAD exomes 0.00003 and 0.00006; ExAC 0.00004; ESP Exome Variant Server 0.00016; gnomAD 0.00030 and 0.00033; TOPMed 0.00037.
gnomAD v4.1: 90 of 1,613,436 alleles (0.0056%); highest among the groups gnomAD compares: African/African-American, 0.088%; no homozygotes.

Submissions (6):

Labcorp Genetics (formerly Invitae), Labcorp
Classification: Likely benign. Last evaluated: 2026-01-25. Review status: criteria provided, single submitter. Criteria: Invitae Variant Classification Sherloc (09022015). Collection method: clinical testing. Allele origin: germline.

Genetics Laboratory, Great Ormond Street Hospital NHS Foundation Trust, North Thames Genomic Laboratory Hub
Classification: Uncertain significance for Monogenic hearing loss. Last evaluated: 2025-10-22. Review status: criteria provided, single submitter. Criteria: ACGS Best Practice Guidelines for Variant Classification in Rare Disease 2024 v1.2. Collection method: clinical testing. Allele origin: germline. Affected: yes.
Comment: PM2_moderate, PM3_moderate

GeneDx
Classification: Uncertain significance. Last evaluated: 2023-03-03. Review status: criteria provided, single submitter. Criteria: GeneDx Variant Classification Process June 2021. Collection method: clinical testing. Allele origin: germline. Affected: yes.
Comment: In silico analysis supports that this missense variant has a deleterious effect on protein structure/function; Has not been previously published as pathogenic or benign to our knowledge

Blueprint Genetics
Classification: Uncertain significance. Last evaluated: 2022-08-10. Review status: criteria provided, single submitter. Criteria: ACMG Guidelines, 2015. Collection method: clinical testing. Allele origin: germline.

Eurofins Ntd Llc (ga)
Classification: Uncertain significance. Last evaluated: 2016-05-03. Review status: criteria provided, single submitter. Criteria: EGL Classification Definitions 2015. Collection method: clinical testing. Allele origin: germline. Observed: 1 variant allele, 1 heterozygote.

Division of Human Genetics, Children's Hospital of Philadelphia
Classification: Uncertain significance for Autosomal recessive nonsyndromic hearing loss 3. Last evaluated: 2015-09-23. Review status: no assertion criteria provided. Collection method: research. Allele origin: germline. Affected: yes. Study: CSER-PediSeq. Not counted in ClinVar's aggregate classification.